The following is an entry in ClinVar:

NM_001848.3(COL6A1):c.329G>A (p.Arg110His)

Gene: COL6A1 (collagen type VI alpha 1 chain; plus strand). Cytogenetic location: 21q22.3.
Variant type: single nucleotide variant.
Coding change: c.329G>A on transcript NM_001848.3 (MANE Select); coding-DNA position 329, G replaced by A.
Protein change: p.Arg110His; replaces arginine 110 with histidine.
Molecular consequence: missense variant.
Genome position (GRCh38, 1-based): chr21:45,984,370, G>A. VCF-style: chr21-45984370-G-A. GRCh37 (hg19) VCF-style: chr21-47404284-G-A.
Other names: short protein forms R110H.
Identifiers: ClinVar variation 418910 (VCV000418910.15), dbSNP rs773139115, ClinGen allele CA10069528.

ClinVar aggregate classification (germline): Conflicting classifications of pathogenicity. Review status: criteria provided, conflicting classifications (1 of 4 stars). 3 submissions from 3 submitters: Uncertain significance (2); Likely benign (1). Last evaluated 2026-01-22.

Conditions:
Bethlem myopathy 1A. Also called: Bethlem myopathy 1; MYOPATHY, BENIGN CONGENITAL, WITH CONTRACTURES; Bethlem Muscular Dystrophy. Identifiers: Orphanet 610, MedGen CN029274, MONDO:0024530, OMIM 158810.

Allele frequency attached by ClinVar (database versions not stated): gnomAD 0.00004 and 0.00005; gnomAD exomes 0.00004 and 0.00007; TOPMed 0.00005; ExAC 0.00008.
gnomAD v4.1: 71 of 1,612,566 alleles (0.0044%); highest among the groups gnomAD compares: Middle Eastern, 0.033%; no homozygotes.

Submissions (3):

GeneDx
Classification: Uncertain significance. Last evaluated: 2026-01-22. Review status: criteria provided, single submitter. Criteria: GeneDx Variant Classification Process June 2021. Collection method: clinical testing. Allele origin: germline. Affected: yes.
Comment: Observed de novo in a patient with microcephaly, gross motor delay, intellectual disability, and hypotonia in published literature (PMID: 31130284); In silico analysis supports that this missense variant has a deleterious effect on protein structure/function; This variant is associated with the following publications: (PMID: 31130284)

Labcorp Genetics (formerly Invitae), Labcorp
Classification: Likely benign for Bethlem myopathy 1A. Last evaluated: 2025-10-27. Review status: criteria provided, single submitter. Criteria: Invitae Variant Classification Sherloc (09022015). Collection method: clinical testing. Allele origin: germline.

Revvity Omics, Revvity
Classification: Uncertain significance. Last evaluated: 2020-09-24. Review status: criteria provided, single submitter. Criteria: ACMG Guidelines, 2015. Collection method: clinical testing. Allele origin: germline.